The following is an entry in ClinVar:

NM_015272.5(RPGRIP1L):c.2968CCT[2] (p.Pro992del)

Gene: RPGRIP1L (RPGRIP1 like; minus strand). Cytogenetic location: 16q12.2.
Variant type: Microsatellite.
Coding change: c.2968CCT[2] on transcript NM_015272.5 (MANE Select); two copies in a row of the 3-base unit CCT starting at c.2968; the reference has three copies in a row; one copy, 3 bases deleted; also written c.2974_2976del.
Protein change: p.Pro992del; deletes proline 992.
Molecular consequence: inframe deletion. On other transcripts: intron variant (2).
Genome position (GRCh38, 1-based): chr16:53,638,394-53,638,396, AGG deleted on the plus strand (CCT on the coding strand, the reverse complement: RPGRIP1L is on the minus strand); deleting any 3 consecutive bases within chr16:53,638,394-53,638,404 gives the same sequence; the position shown is the placement nearest the transcript's 3' end. VCF-style (leftmost placement, unchanged base first): chr16-53638393-CAGG-C. GRCh37 (hg19) VCF-style: chr16-53672305-CAGG-C.
Other names: c.2968CCT[2], p.Pro992del (NM_001308334.3); c.2959-548CCT[2] (NM_001127897.4, NM_001330538.2); c.2974_2976delCCT (NM_015272.5, NM_015272.4); c.2974_2976del (NM_015272.5, NM_015272.2); short protein forms P992del.
Identifiers: ClinVar variation 991012 (VCV000991012.9), dbSNP rs752076060, ClinGen allele CA8057392.

ClinVar aggregate classification (germline): Uncertain significance. Review status: criteria provided, multiple submitters, no conflicts (2 of 4 stars). 6 submissions from 6 submitters: Uncertain significance (5). 1 of the submissions does not count toward it. Last evaluated 2026-09-09.

Conditions:
Meckel-Gruber syndrome. Also called: Dysencephalia splachnocystica; DYSENCEPHALIA SPLANCHNOCYSTICA; GRUBER SYNDROME. Identifiers: Orphanet 564, MedGen C0265215, MONDO:0018921.
Joubert syndrome. Also called: Familial aplasia of the vermis; JOUBERT-BOLTSHAUSER SYNDROME. Identifiers: Orphanet 475, MedGen C5979921, MONDO:0018772.
Meckel syndrome, type 5 (MKS5). Identifiers: Orphanet 564, MedGen C1969052, MONDO:0012695, OMIM 611561.
Joubert syndrome 7 (JBTS7). Identifiers: Orphanet 220497, MedGen C1969053, MONDO:0012694, OMIM 611560.
COACH syndrome 3. Identifiers: MedGen C5436841, MONDO:0030862, OMIM 619113.
RPGRIP1L-related disorder. Also called: RPGRIP1L-related condition; RPGRIP1L-related disorders. Identifiers: MedGen CN239416.

Submissions (6):

PreventionGenetics, part of Exact Sciences
Classification: Uncertain significance for RPGRIP1L-related condition. Last evaluated: 2026-09-09. Review status: criteria provided, single submitter. Criteria: ACMG Guidelines, 2015. Collection method: clinical testing. Allele origin: germline.
Comment: The RPGRIP1L c.2974_2976delCCT variant is predicted to result in an in-frame deletion (p.Pro992del). To our knowledge, this variant has not been reported in the literature. This variant is reported in 0.092% of alleles in individuals of South Asian descent in gnomAD, which may be too frequent to be a primary cause of disease. Although we suspect that this variant may be benign, at this time, the clinical significance of this variant is uncertain due to the absence of conclusive functional and genetic evidence.

GeneDx
Classification: Uncertain significance. Last evaluated: 2026-04-03. Review status: criteria provided, single submitter. Criteria: GeneDx Variant Classification Process June 2021. Collection method: clinical testing. Allele origin: germline.
Comment: In-frame deletion of 1 amino acid(s) in a non-repeat region; In silico analysis suggests that this variant does not alter protein structure/function; Has not been previously published as pathogenic or benign to our knowledge; In silico analysis is inconclusive as to whether the variant alters gene splicing. In the absence of RNA/functional studies, the actual effect of this sequence change is unknown.

Labcorp Genetics (formerly Invitae), Labcorp
Classification: Uncertain significance for Joubert syndrome; Meckel-Gruber syndrome. Last evaluated: 2024-11-04. Review status: criteria provided, single submitter. Criteria: Invitae Variant Classification Sherloc (09022015). Collection method: clinical testing. Allele origin: germline.
Comment: This variant, c.2974_2976del, results in the deletion of 1 amino acid(s) of the RPGRIP1L protein (p.Pro992del), but otherwise preserves the integrity of the reading frame. This variant is present in population databases (rs752076060, gnomAD 0.09%). This variant has not been reported in the literature in individuals affected with RPGRIP1L-related conditions. Experimental studies and prediction algorithms are not available or were not evaluated, and the functional significance of this variant is currently unknown. In summary, the available evidence is currently insufficient to determine the role of this variant in disease. Therefore, it has been classified as a Variant of Uncertain Significance.

Fulgent Genetics
Classification: Uncertain significance for Joubert syndrome 7; Meckel syndrome, type 5; COACH syndrome 3. Last evaluated: 2022-03-24. Review status: criteria provided, single submitter. Criteria: ACMG Guidelines, 2015. Collection method: clinical testing. Allele origin: unknown.

Breakthrough Genomics
Classification: Uncertain significance. Review status: criteria provided, single submitter. Criteria: ACMG Guidelines, 2015. Collection method: not provided. Allele origin: germline. Inheritance: Autosomal recessive inheritance. Affected: yes.

Natera, Inc.
Classification: Uncertain significance for Joubert syndrome. Last evaluated: 2020-08-14. Review status: no assertion criteria provided. Collection method: clinical testing. Allele origin: germline. Not counted in ClinVar's aggregate classification.